The following is an entry in ClinVar:

ClinVar aggregate classification (germline): Uncertain significance (1 of 4 stars; one submission).

Allele frequency attached by ClinVar (database versions not stated): gnomAD exomes below 0.00001 and 0.00001; gnomAD 0.00001; TOPMed 0.00002; ExAC 0.00003.

Submission:

Labcorp Genetics (formerly Invitae), Labcorp
Classification: Uncertain significance. Last evaluated: 2024-02-17. Review status: criteria provided, single submitter. Criteria: Invitae Variant Classification Sherloc (09022015). Collection method: clinical testing. Allele origin: germline.
Comment: This sequence change replaces valine, which is neutral and non-polar, with isoleucine, which is neutral and non-polar, at codon 658 of the SLC44A4 protein (p.Val658Ile). This variant is present in population databases (rs774254086, gnomAD 0.006%). This variant has not been reported in the literature in individuals affected with SLC44A4-related conditions. ClinVar contains an entry for this variant (Variation ID: 1402384). Advanced modeling of protein sequence and biophysical properties (such as structural, functional, and spatial information, amino acid conservation, physicochemical variation, residue mobility, and thermodynamic stability) performed at Invitae indicates that this missense variant is not expected to disrupt SLC44A4 protein function with a negative predictive value of 80%. In summary, the available evidence is currently insufficient to determine the role of this variant in disease. Therefore, it has been classified as a Variant of Uncertain Significance.

NM_025257.3(SLC44A4):c.1972G>A (p.Val658Ile)

Gene: SLC44A4 (solute carrier family 44 member 4; minus strand). Cytogenetic location: 6p21.33.
Variant type: single nucleotide variant.
Coding change: c.1972G>A on transcript NM_025257.3 (MANE Select); coding-DNA position 1972, G replaced by A.
Protein change: p.Val658Ile; replaces valine 658 with isoleucine.
Molecular consequence: missense variant.
Genome position (GRCh38, 1-based): chr6:31,864,691, C>T on the plus strand (G>A on the coding strand, the complement: SLC44A4 is on the minus strand). VCF-style: chr6-31864691-C-T. GRCh37 (hg19) VCF-style: chr6-31832468-C-T.
Other names: c.1846G>A, p.Val616Ile (NM_001178044.2); c.1744G>A, p.Val582Ile (NM_001178045.2); short protein forms V582I, V616I, V658I.
Identifiers: ClinVar variation 1402384 (VCV001402384.6), dbSNP rs774254086, ClinGen allele CA3725197.